The following is an entry in ClinVar:

NM_000492.4(CFTR):c.164G>A (p.Arg55Lys)

Gene: CFTR (CF transmembrane conductance regulator; plus strand). Cytogenetic location: 7q31.2.
Variant type: single nucleotide variant.
Coding change: c.164G>A on transcript NM_000492.4 (MANE Select); coding-DNA position 164, G replaced by A.
Protein change: p.Arg55Lys; replaces arginine 55 with lysine.
Molecular consequence: missense variant.
Genome position (GRCh38, 1-based): chr7:117,504,363, G>A. VCF-style: chr7-117504363-G-A. GRCh37 (hg19) VCF-style: chr7-117144417-G-A.
Other names: short protein forms R55K.
Identifiers: ClinVar variation 2136596 (VCV002136596.1), dbSNP rs2484968449, ClinGen allele CA368987566.
Genomic context (GRCh38, chr7:117,504,363, plus strand): 5'-CAGACATATACCAAATCCCTTCTGTTGATTCTGCTGACAATCTATCTGAAAAATTGGAAA[G>A]GTATGTTCATGTACATTGTTTAGTTGAAGAGAGAAATTCATATTATTAATTATTTAGAGA-3'
Protein context (NP_000483.3, residues 45-65): SADNLSEKLE[Arg55Lys]EWDRELASKK

ClinVar aggregate classification (germline): Uncertain significance (1 of 4 stars; one submission).

Conditions:
Cystic fibrosis (CF). Also called: MUCOVISCIDOSIS. Identifiers: Orphanet 586, MedGen C0010674, MONDO:0009061, OMIM 219700. Disease mechanism: loss of function.

Allele frequency attached by ClinVar (database versions not stated): gnomAD exomes below 0.00001.
gnomAD v4.1: 1 of 1,468,218 alleles (0.000068%); highest among the groups gnomAD compares: Non-Finnish European, 0.000096%; no homozygotes.

Submission:

Labcorp Genetics (formerly Invitae), Labcorp
Classification: Uncertain significance for Cystic fibrosis. Last evaluated: 2022-02-09. Review status: criteria provided, single submitter. Criteria: Invitae Variant Classification Sherloc (09022015). Collection method: clinical testing. Allele origin: germline.
Comment: This sequence change replaces arginine, which is basic and polar, with lysine, which is basic and polar, at codon 55 of the CFTR protein (p.Arg55Lys). This variant also falls at the last nucleotide of exon 2, which is part of the consensus splice site for this exon. This variant is not present in population databases (gnomAD no frequency). This variant has not been reported in the literature in individuals affected with CFTR-related conditions. Algorithms developed to predict the effect of missense changes on protein structure and function (SIFT, PolyPhen-2, Align-GVGD) all suggest that this variant is likely to be tolerated. Variants that disrupt the consensus splice site are a relatively common cause of aberrant splicing (PMID: 17576681, 9536098). Algorithms developed to predict the effect of sequence changes on RNA splicing suggest that this variant may disrupt the consensus splice site. In summary, the available evidence is currently insufficient to determine the role of this variant in disease. Therefore, it has been classified as a Variant of Uncertain Significance.

Literature cited by the submitters: PubMed 17576681; PubMed 9536098.